The following is an entry in ClinVar:

NM_018136.5(ASPM):c.2047C>T (p.Pro683Ser)

Gene: ASPM (assembly factor for spindle microtubules; minus strand). Cytogenetic location: 1q31.3.
Variant type: single nucleotide variant.
Coding change: c.2047C>T on transcript NM_018136.5 (MANE Select); coding-DNA position 2047, C replaced by T.
Protein change: p.Pro683Ser; replaces proline 683 with serine.
Molecular consequence: missense variant.
Genome position (GRCh38, 1-based): chr1:197,135,222, G>A on the plus strand (C>T on the coding strand, the complement: ASPM is on the minus strand). VCF-style: chr1-197135222-G-A. GRCh37 (hg19) VCF-style: chr1-197104352-G-A.
Other names: c.2047C>T, p.Pro683Ser (NM_001206846.2); short protein forms P683S.
Identifiers: ClinVar variation 1352716 (VCV001352716.5), dbSNP rs750514175, ClinGen allele CA1310563.

ClinVar aggregate classification (germline): Uncertain significance (1 of 4 stars; one submission).

Allele frequency attached by ClinVar (database versions not stated): gnomAD exomes 0.00001; TOPMed 0.00001; ExAC 0.00001; gnomAD 0.00001.

Submission:

Labcorp Genetics (formerly Invitae), Labcorp
Classification: Uncertain significance. Last evaluated: 2024-12-09. Review status: criteria provided, single submitter. Criteria: Invitae Variant Classification Sherloc (09022015). Collection method: clinical testing. Allele origin: germline.
Comment: This sequence change replaces proline, which is neutral and non-polar, with serine, which is neutral and polar, at codon 683 of the ASPM protein (p.Pro683Ser). This variant is present in population databases (rs750514175, gnomAD 0.009%). This variant has not been reported in the literature in individuals affected with ASPM-related conditions. ClinVar contains an entry for this variant (Variation ID: 1352716). Invitae Evidence Modeling of protein sequence and biophysical properties (such as structural, functional, and spatial information, amino acid conservation, physicochemical variation, residue mobility, and thermodynamic stability) has been performed for this missense variant. However, the output from this modeling did not meet the statistical confidence thresholds required to predict the impact of this variant on ASPM protein function. In summary, the available evidence is currently insufficient to determine the role of this variant in disease. Therefore, it has been classified as a Variant of Uncertain Significance.